The following is an entry in ClinVar:

ClinVar aggregate classification (germline): Uncertain significance (1 of 4 stars; one submission).

Conditions:
Xeroderma pigmentosum, group F (XPF). Also called: XERODERMA PIGMENTOSUM, COMPLEMENTATION GROUP F; XERODERMA PIGMENTOSUM, TYPE F; Xeroderma pigmentosum, type 6; XERODERMA PIGMENTOSUM VI; XP, GROUP F; ERCC4-Related Xeroderma Pigmentosum. Identifiers: MedGen C0268140, MONDO:0010215, OMIM 278760.
Cockayne syndrome. Identifiers: Orphanet 191, MedGen C0009207, MONDO:0016006.
Fanconi anemia complementation group Q. Identifiers: Orphanet 84, MedGen C3808988, MONDO:0014108, OMIM 615272.

gnomAD v4.1: 29 of 1,613,990 alleles (0.0018%); highest among the groups gnomAD compares: African/African-American, 0.015%; no homozygotes.

Submission:

Labcorp Genetics (formerly Invitae), Labcorp
Classification: Uncertain significance for Fanconi anemia complementation group Q; Xeroderma pigmentosum, group F; Cockayne syndrome. Last evaluated: 2024-06-10. Review status: criteria provided, single submitter. Criteria: Invitae Variant Classification Sherloc (09022015). Collection method: clinical testing. Allele origin: germline.
Comment: This sequence change replaces arginine, which is basic and polar, with histidine, which is basic and polar, at codon 754 of the ERCC4 protein (p.Arg754His). This variant is present in population databases (rs143357336, gnomAD 0.03%). This variant has not been reported in the literature in individuals affected with ERCC4-related conditions. Advanced modeling of protein sequence and biophysical properties (such as structural, functional, and spatial information, amino acid conservation, physicochemical variation, residue mobility, and thermodynamic stability) performed at Invitae indicates that this missense variant is not expected to disrupt ERCC4 protein function with a negative predictive value of 80%. In summary, the available evidence is currently insufficient to determine the role of this variant in disease. Therefore, it has been classified as a Variant of Uncertain Significance.

NM_005236.3(ERCC4):c.2261G>A (p.Arg754His)

Gene: ERCC4 (ERCC excision repair 4, endonuclease catalytic subunit; plus strand). Cytogenetic location: 16p13.12.
Variant type: single nucleotide variant.
Coding change: c.2261G>A on transcript NM_005236.3 (MANE Select); coding-DNA position 2261, G replaced by A.
Protein change: p.Arg754His; replaces arginine 754 with histidine.
Molecular consequence: missense variant.
Genome position (GRCh38, 1-based): chr16:13,947,857, G>A. VCF-style: chr16-13947857-G-A. GRCh37 (hg19) VCF-style: chr16-14041714-G-A.
Other names: short protein forms R754H.
Identifiers: ClinVar variation 3761384 (VCV003761384.1).
Genomic context (GRCh38, chr16:13,947,857, plus strand): 5'-GCTCTTTAAATAACGGCCGCCTCTACAGCCAGTGCATCTCCATGTCCCGCTACTACAAGC[G>A]TCCCGTGCTTCTGATTGAGTTTGACCCTAGCAAGCCTTTCTCTCTCACTTCCCGAGGTGC-3'
Protein context (NP_005227.1, residues 744-764): QCISMSRYYK[Arg754His]PVLLIEFDPS